The following is an entry in ClinVar:

ClinVar aggregate classification (germline): Pathogenic (1 of 4 stars; one submission).

Allele frequency attached by ClinVar (database versions not stated): gnomAD exomes below 0.00001.
gnomAD v4.1: 4 of 1,613,932 alleles (0.00025%); highest among the groups gnomAD compares: Non-Finnish European, 0.00034%; no homozygotes.

Submission:

Labcorp Genetics (formerly Invitae), Labcorp
Classification: Pathogenic. Last evaluated: 2022-11-20. Review status: criteria provided, single submitter. Criteria: Invitae Variant Classification Sherloc (09022015). Collection method: clinical testing. Allele origin: germline.
Comment: This variant is not present in population databases (gnomAD no frequency). For these reasons, this variant has been classified as Pathogenic. This variant has not been reported in the literature in individuals affected with TYRP1-related conditions. This sequence change creates a premature translational stop signal (p.Gln25*) in the TYRP1 gene. It is expected to result in an absent or disrupted protein product. Loss-of-function variants in TYRP1 are known to be pathogenic (PMID: 8651291, 9345097).

Literature cited by the submitters: PubMed 8651291; PubMed 9345097.

NM_000550.3(TYRP1):c.73C>T (p.Gln25Ter)

Gene: TYRP1 (tyrosinase related protein 1; plus strand). Cytogenetic location: 9p23.
Variant type: single nucleotide variant.
Coding change: c.73C>T on transcript NM_000550.3 (MANE Select); coding-DNA position 73, C replaced by T.
Protein change: p.Gln25Ter; replaces glutamine 25 with a stop codon.
Molecular consequence: nonsense.
Genome position (GRCh38, 1-based): chr9:12,694,069, C>T. VCF-style: chr9-12694069-C-T. GRCh37 (hg19) VCF-style: chr9-12694069-C-T.
Other names: short protein forms Q25*.
Identifiers: ClinVar variation 2815452 (VCV002815452.3), dbSNP rs2537274064, ClinGen allele CA372936055.